The following is an entry in ClinVar:

ClinVar aggregate classification (germline): Uncertain significance (1 of 4 stars; one submission).

Conditions:
Inborn genetic diseases. Identifiers: MedGen C0950123, MeSH D030342.

Allele frequency attached by ClinVar (database versions not stated): TOPMed 0.00001.

Submission:

Ambry Genetics
Classification: Uncertain significance for Inborn genetic diseases. Last evaluated: 2022-05-21. Review status: criteria provided, single submitter. Criteria: Ambry Variant Classification Scheme 2023. Collection method: clinical testing. Allele origin: germline.
Comment: The p.D423G variant (also known as c.1268A>G), located in coding exon 13 of the ERCC2 gene, results from an A to G substitution at nucleotide position 1268. The aspartic acid at codon 423 is replaced by glycine, an amino acid with similar properties. This amino acid position is conserved. In addition, the in silico prediction for this alteration is inconclusive. Since supporting evidence is limited at this time, the clinical significance of this alteration remains unclear.

NM_000400.4(ERCC2):c.1268A>G (p.Asp423Gly)

Gene: ERCC2 (ERCC excision repair 2, TFIIH core complex helicase subunit; minus strand). Cytogenetic location: 19q13.32.
Variant type: single nucleotide variant.
Coding change: c.1268A>G on transcript NM_000400.4 (MANE Select); coding-DNA position 1268, A replaced by G.
Protein change: p.Asp423Gly; replaces aspartic acid 423 with glycine.
Molecular consequence: missense variant.
Genome position (GRCh38, 1-based): chr19:45,357,669, T>C on the plus strand (A>G on the coding strand, the complement: ERCC2 is on the minus strand). VCF-style: chr19-45357669-T-C. GRCh37 (hg19) VCF-style: chr19-45860927-T-C.
Other names: short protein forms D423G.
Identifiers: ClinVar variation 1764554 (VCV001764554.2), dbSNP rs1470481436, ClinGen allele CA406368118.